The following is an entry in ClinVar:

ClinVar aggregate classification (germline): Likely benign. Review status: criteria provided, multiple submitters, no conflicts (2 of 4 stars). 2 submissions from 2 submitters: Likely benign (2). Last evaluated 2025-08-09.

Conditions:
COL9A3-related disorder. Also called: COL9A3-related condition.

Allele frequency attached by ClinVar (database versions not stated): gnomAD 0.00001; TOPMed 0.00001; ESP Exome Variant Server 0.00008.
gnomAD v4.1: 20 of 1,611,320 alleles (0.0012%); highest among the groups gnomAD compares: African/African-American, 0.0067%; no homozygotes.

Submissions (2):

PreventionGenetics, part of Exact Sciences
Classification: Likely benign for COL9A3-related condition. Last evaluated: 2025-08-09. Review status: criteria provided, single submitter. Criteria: ACMG Guidelines, 2015. Collection method: clinical testing. Allele origin: germline.
Comment: This variant is classified as likely benign based on ACMG/AMP sequence variant interpretation guidelines (Richards et al. 2015 PMID: 25741868, with internal and published modifications).

Labcorp Genetics (formerly Invitae), Labcorp
Classification: Likely benign. Last evaluated: 2022-08-12. Review status: criteria provided, single submitter. Criteria: Invitae Variant Classification Sherloc (09022015). Collection method: clinical testing. Allele origin: germline.

NM_001853.4(COL9A3):c.972C>T (p.Asn324=)

Gene: COL9A3 (collagen type IX alpha 3 chain; plus strand). Cytogenetic location: 20q13.33.
Variant type: single nucleotide variant.
Coding change: c.972C>T on transcript NM_001853.4 (MANE Select); coding-DNA position 972, C replaced by T.
Protein change: p.Asn324=; no amino-acid change (asparagine 324 retained).
Molecular consequence: synonymous variant.
Genome position (GRCh38, 1-based): chr20:62,828,940, C>T. VCF-style: chr20-62828940-C-T. GRCh37 (hg19) VCF-style: chr20-61460292-C-T.
Other names: c.972C>T (NM_001853.3).
Identifiers: ClinVar variation 1657913 (VCV001657913.9), dbSNP rs372362105, ClinGen allele CA9949645.